The following is an entry in ClinVar:

NM_015040.4(PIKFYVE):c.4021C>G (p.Leu1341Val)

Gene: PIKFYVE (phosphoinositide kinase, FYVE-type zinc finger containing; plus strand). Cytogenetic location: 2q34.
Variant type: single nucleotide variant.
Coding change: c.4021C>G on transcript NM_015040.4 (MANE Select); coding-DNA position 4021, C replaced by G.
Protein change: p.Leu1341Val; replaces leucine 1341 with valine.
Molecular consequence: missense variant.
Genome position (GRCh38, 1-based): chr2:208,333,372, C>G. VCF-style: chr2-208333372-C-G. GRCh37 (hg19) VCF-style: chr2-209198096-C-G.
Other names: short protein forms L1341V.
Identifiers: ClinVar variation 2575595 (VCV002575595.1), dbSNP rs1246302784, ClinGen allele CA350096407.

ClinVar aggregate classification (germline): Uncertain significance (1 of 4 stars; one submission).

Submission:

GeneDx
Classification: Uncertain significance. Last evaluated: 2023-02-09. Review status: criteria provided, single submitter. Criteria: GeneDx Variant Classification Process June 2021. Collection method: clinical testing. Allele origin: germline. Affected: yes.
Comment: Not observed at significant frequency in large population cohorts (gnomAD); In silico analysis supports that this missense variant has a deleterious effect on protein structure/function; Has not been previously published as pathogenic or benign to our knowledge